The following is an entry in ClinVar:

ClinVar aggregate classification (germline): Pathogenic (1 of 4 stars; one submission).

Conditions:
heterogeneous nuclear ribonucleoprotein G, human.

Submission:

Labcorp Genetics (formerly Invitae), Labcorp
Classification: Pathogenic for heterogeneous nuclear ribonucleoprotein G, human. Last evaluated: 2019-11-23. Review status: criteria provided, single submitter. Criteria: Invitae Variant Classification Sherloc (09022015). Collection method: clinical testing. Allele origin: germline.
Comment: A gross deletion of the genomic region encompassing the full coding sequence of the HNRNPU gene has been identified. The boundaries of this event are unknown as the deletion extends beyond the assayed region for this gene and therefore may encompass additional genes. Isolated whole-gene deletions of HNRNPU have not been reported in the literature. However, larger copy number events with 1q43q44 microdeletions that include this gene have been reported (PMID: 28283832, 22678713). Loss-of-function variants in HNRNPU are known to be pathogenic (PMID: 22678713, 28283832). For these reasons, this variant has been classified as Pathogenic.

Literature cited by the submitters: PubMed 22678713; PubMed 28283832.

NC_000001.11:g.(?_244854430)_(244864327_?)del

Genes: HNRNPU (heterogeneous nuclear ribonucleoprotein U; minus strand), LOC129932913 (ATAC-STARR-seq lymphoblastoid silent region 2020; plus strand). Cytogenetic location: 1q44.
Variant type: Deletion.
Identifiers: ClinVar variation 584092 (VCV000584092.2).